The following is an entry in ClinVar:

ClinVar aggregate classification (germline): Likely benign. Review status: criteria provided, multiple submitters, no conflicts (2 of 4 stars). 3 submissions from 3 submitters: Likely benign (2). 1 of the submissions does not count toward it. Last evaluated 2024-11-13.

Conditions:
CEP83-related disorder. Also called: CEP83-related condition.
Nephronophthisis 18 (NPHP18). Identifiers: Orphanet 655, MedGen C3890591, MONDO:0014374, OMIM 615862.

Allele frequency attached by ClinVar (database versions not stated): gnomAD 0.00003; gnomAD exomes 0.00003 and 0.00005; ExAC 0.00004; TOPMed 0.00004.
gnomAD v4.1: 23 of 1,613,644 alleles (0.0014%); highest among the groups gnomAD compares: Admixed American, 0.038%; no homozygotes.

Submissions (3):

Labcorp Genetics (formerly Invitae), Labcorp
Classification: Likely benign for Nephronophthisis 18. Last evaluated: 2024-11-13. Review status: criteria provided, single submitter. Criteria: Invitae Variant Classification Sherloc (09022015). Collection method: clinical testing. Allele origin: germline.

Blueprint Genetics
Classification: Likely benign. Last evaluated: 2024-04-23. Review status: criteria provided, single submitter. Criteria: ACMG Guidelines, 2015. Collection method: clinical testing. Allele origin: germline.

PreventionGenetics, part of Exact Sciences
Classification: Likely benign for CEP83-related condition. Last evaluated: 2019-08-09. Review status: no assertion criteria provided. Collection method: clinical testing. Allele origin: germline. Not counted in ClinVar's aggregate classification.
Comment: This variant is classified as likely benign based on ACMG/AMP sequence variant interpretation guidelines (Richards et al. 2015 PMID: 25741868, with internal and published modifications).

NM_016122.3(CEP83):c.1470T>C (p.Asn490=)

Gene: CEP83 (centrosomal protein 83; minus strand). Cytogenetic location: 12q22.
Variant type: single nucleotide variant.
Coding change: c.1470T>C on transcript NM_016122.3 (MANE Select); coding-DNA position 1470, T replaced by C.
Protein change: p.Asn490=; no amino-acid change (asparagine 490 retained).
Molecular consequence: synonymous variant. On other transcripts: non-coding transcript variant (2).
Genome position (GRCh38, 1-based): chr12:94,333,589, A>G on the plus strand (T>C on the coding strand, the complement: CEP83 is on the minus strand). VCF-style: chr12-94333589-A-G. GRCh37 (hg19) VCF-style: chr12-94727365-A-G.
Other names: c.1470T>C, p.Asn490= (NM_001042399.2, NM_001346457.2, NM_001368037.1 and 1 more transcripts); c.1158T>C, p.Asn386= (NM_001346458.2, NM_001346459.2, NM_001368039.1 and 1 more transcripts); c.1245T>C, p.Asn415= (NM_001368041.1).
Identifiers: ClinVar variation 474962 (VCV000474962.14), dbSNP rs780167307, ClinGen allele CA6721627.
Genomic context (GRCh38, chr12:94,333,589, plus strand): 5'-GCATTCTTGTTTTAATCTCTCCACCATTTCCTTCAGCATTTGGTTTGAATTCAGCAAGTC[A>G]TTCTCTGACTGTGCAAGTGAAGTCACTTGGATCTGCAAACTACTGATTTGCTTAAAAGAG-3'
Protein context (NP_057206.2, residues 480-500): IQVTSLAQSE[Asn490=]DLLNSNQMLK